The following is an entry in ClinVar:

NM_000179.3(MSH6):c.3603C>T (p.Leu1201=)

Gene: MSH6 (mutS homolog 6; plus strand). Cytogenetic location: 2p16.3.
Variant type: single nucleotide variant.
Coding change: c.3603C>T on transcript NM_000179.3 (MANE Select); coding-DNA position 3603, C replaced by T.
Protein change: p.Leu1201=; no amino-acid change (leucine 1201 retained).
Molecular consequence: synonymous variant.
Genome position (GRCh38, 1-based): chr2:47,805,664, C>T. VCF-style: chr2-47805664-C-T. GRCh37 (hg19) VCF-style: chr2-48032803-C-T.
Other names: c.3213C>T, p.Leu1071= (NM_001281492.2); c.2697C>T, p.Leu899= (NM_001281493.2, NM_001281494.2).
Identifiers: ClinVar variation 525894 (VCV000525894.23), dbSNP rs761458936, ClinGen allele CA071482.

ClinVar aggregate classification (germline): Benign/Likely benign. Review status: criteria provided, multiple submitters, no conflicts (2 of 4 stars). 7 submissions from 7 submitters: Benign (1); Likely benign (6). Last evaluated 2025-06-21.

Conditions:
Hereditary nonpolyposis colorectal neoplasms. Identifiers: MedGen C0009405, MeSH D003123.
Hereditary cancer-predisposing syndrome. Also called: Neoplastic Syndromes, Hereditary; Tumor predisposition; Hereditary Cancer Syndrome; Hereditary neoplastic syndrome. Identifiers: Orphanet 140162, MedGen C0027672, MeSH D009386, MONDO:0015356.
Lynch syndrome 5 (LYNCH5). Also called: Colorectal cancer, hereditary nonpolyposis, type 5; Hereditary non-polyposis colorectal cancer, type 5. Identifiers: Orphanet 144, MedGen C1833477, MONDO:0013710, OMIM 614350. Disease mechanism: loss of function.
Lynch syndrome. Identifiers: Orphanet 144, MedGen C4552100, MONDO:0005835. Disease mechanism: loss of function.

Allele frequency attached by ClinVar (database versions not stated): gnomAD exomes below 0.00001; ExAC 0.00001.
gnomAD v4.1: 4 of 1,613,414 alleles (0.00025%); highest among the groups gnomAD compares: African/African-American, 0.0013%; no homozygotes.

Submissions (7):

Women's Health and Genetics/Laboratory Corporation of America, LabCorp
Classification: Likely benign. Last evaluated: 2025-06-21. Review status: criteria provided, single submitter. Criteria: LabCorp Variant Classification Summary - May 2015. Collection method: clinical testing. Allele origin: germline.

Labcorp Genetics (formerly Invitae), Labcorp
Classification: Likely benign for Hereditary nonpolyposis colorectal neoplasms. Last evaluated: 2025-06-10. Review status: criteria provided, single submitter. Criteria: Invitae Variant Classification Sherloc (09022015). Collection method: clinical testing. Allele origin: germline.

Myriad Genetics, Inc.
Classification: Benign for Lynch syndrome 5. Last evaluated: 2025-01-07. Review status: criteria provided, single submitter. Criteria: Myriad Autosomal Dominant, Autosomal Recessive and X-Linked Classification Criteria (2023). Collection method: clinical testing. Allele origin: unknown.
Comment: This variant is considered benign. This variant is a silent/synonymous amino acid change and it is not expected to impact splicing.

All of Us Research Program, National Institutes of Health
Classification: Likely benign for Lynch syndrome. Last evaluated: 2023-12-13. Review status: criteria provided, single submitter. Criteria: ACMG Guidelines, 2015. Collection method: clinical testing. Allele origin: germline. Inheritance: Autosomal dominant inheritance. Observed: 1 variant allele, 1 heterozygote.
Comment: This study involves interpretation of variants in research participants for the purpose of population health screening. Participant phenotype was not available at the time of variant classification. Additional details can be found in publication PMID: 35346344, PMCID: PMC8962531

Color Diagnostics, LLC DBA Color Health
Classification: Likely benign for Hereditary cancer-predisposing syndrome. Last evaluated: 2019-03-04. Review status: criteria provided, single submitter. Criteria: ACMG Guidelines, 2015. Collection method: clinical testing. Allele origin: germline.

GeneDx
Classification: Likely benign. Last evaluated: 2018-11-21. Review status: criteria provided, single submitter. Criteria: GeneDx Variant Classification Process June 2021. Collection method: clinical testing. Allele origin: germline. Affected: yes.

Ambry Genetics
Classification: Likely benign for Hereditary cancer-predisposing syndrome. Last evaluated: 2018-09-04. Review status: criteria provided, single submitter. Criteria: Ambry Variant Classification Scheme 2023. Collection method: clinical testing. Allele origin: germline.